The following is an entry in ClinVar:

ClinVar aggregate classification (germline): Uncertain significance (1 of 4 stars; one submission).

Conditions:
Cerebral folate transport deficiency. Also called: NEURODEGENERATION DUE TO CEREBRAL FOLATE TRANSPORT DEFICIENCY; Neurodegenerative syndrome due to cerebral folate transport deficiency; FOLR1-Related Cerebral Folate Transport Deficiency; Cerebral folate deficiency syndrome; FOLATE RECEPTOR DEFICIENCY. Identifiers: Orphanet 217382, MedGen C2751584, MONDO:0013110, OMIM 613068. Disease mechanism: loss of function.

Submission:

Labcorp Genetics (formerly Invitae), Labcorp
Classification: Uncertain significance for Cerebral folate transport deficiency. Last evaluated: 2020-05-25. Review status: criteria provided, single submitter. Criteria: Invitae Variant Classification Sherloc (09022015). Collection method: clinical testing. Allele origin: germline.
Comment: This sequence change replaces glutamine with arginine at codon 23 of the FOLR1 protein (p.Gln23Arg). The glutamine residue is weakly conserved and there is a small physicochemical difference between glutamine and arginine. In summary, the available evidence is currently insufficient to determine the role of this variant in disease. Therefore, it has been classified as a Variant of Uncertain Significance. Algorithms developed to predict the effect of missense changes on protein structure and function output the following: SIFT: "Tolerated"; PolyPhen-2: "Benign"; Align-GVGD: "Class C0". The arginine amino acid residue is found in multiple mammalian species, suggesting that this missense change does not adversely affect protein function. These predictions have not been confirmed by published functional studies and their clinical significance is uncertain. This variant has not been reported in the literature in individuals with FOLR1-related conditions. This variant is not present in population databases (ExAC no frequency).

NM_016729.3(FOLR1):c.68A>G (p.Gln23Arg)

Genes: FOLR1 (folate receptor alpha; plus strand), FOLR1-AS1 (FOLR1 antisense RNA 1; minus strand). Cytogenetic location: 11q13.4.
Variant type: single nucleotide variant.
Coding change: c.68A>G on transcript NM_016729.3 (MANE Select); coding-DNA position 68, A replaced by G.
Protein change: p.Gln23Arg; replaces glutamine 23 with arginine.
Molecular consequence: missense variant.
Genome position (GRCh38, 1-based): chr11:72,192,241, A>G. VCF-style: chr11-72192241-A-G. GRCh37 (hg19) VCF-style: chr11-71903285-A-G.
Other names: c.68A>G, p.Gln23Arg (NM_000802.3, NM_016724.3, NM_016725.3); short protein forms Q23R.
Identifiers: ClinVar variation 1064100 (VCV001064100.9), dbSNP rs2135385432, ClinGen allele CA381729294.